The following is an entry in ClinVar:

ClinVar aggregate classification (germline): Pathogenic (1 of 4 stars; one submission).

Conditions:
Walker-Warburg congenital muscular dystrophy. Also called: Muscular dystrophy-dystroglycanopathy, type A; Walker-Warburg syndrome. Identifiers: Orphanet 899, MedGen C0265221, MONDO:0000171.

Submission:

Labcorp Genetics (formerly Invitae), Labcorp
Classification: Pathogenic for Walker-Warburg congenital muscular dystrophy. Last evaluated: 2023-07-03. Review status: criteria provided, single submitter. Criteria: Invitae Variant Classification Sherloc (09022015). Collection method: clinical testing. Allele origin: germline.
Comment: For these reasons, this variant has been classified as Pathogenic. This variant has not been reported in the literature in individuals affected with FKTN-related conditions. This variant is not present in population databases (gnomAD no frequency). This sequence change creates a premature translational stop signal (p.Val268Glyfs*47) in the FKTN gene. It is expected to result in an absent or disrupted protein product. Loss-of-function variants in FKTN are known to be pathogenic (PMID: 17044012, 17878207, 18752264).

Literature cited by the submitters: PubMed 17044012; PubMed 17878207; PubMed 18752264.

NM_001079802.2(FKTN):c.803_804del (p.Val268fs)

Gene: FKTN (fukutin; plus strand). Cytogenetic location: 9q31.2.
Variant type: Microsatellite.
Coding change: c.803_804del on transcript NM_001079802.2 (MANE Select); coding-DNA positions 803 to 804, 2 bases deleted (TG; older notation c.803_804delTG).
Protein change: p.Val268fs; shifts the reading frame from valine 268.
Molecular consequence: frameshift variant. On other transcripts: non-coding transcript variant (1).
Genome position (GRCh38, 1-based): chr9:105,615,300-105,615,301, TG deleted; deleting any 2 consecutive bases within chr9:105,615,298-105,615,301 gives the same sequence; the c. name uses the placement nearest the transcript's 3' end. VCF-style (leftmost placement, unchanged base first): chr9-105615297-CTG-C. GRCh37 (hg19) VCF-style: chr9-108377578-CTG-C.
Other names: c.803_804del, p.Val268fs (NM_001198963.2, NM_001351496.2, NM_001351498.2 and 1 more transcripts); c.734_735del, p.Val245fs (NM_001351497.2); c.407_408del, p.Val136fs (NM_001351499.2, NM_001351500.2, NM_001351501.2 and 1 more transcripts); short protein forms V136fs, V268fs, V245fs.
Identifiers: ClinVar variation 2779477 (VCV002779477.3), dbSNP rs2539656282, ClinGen allele CA2739264915.